The following is an entry in ClinVar:

NM_018486.3(HDAC8):c.121G>A (p.Val41Met)

Gene: HDAC8 (histone deacetylase 8; minus strand). Cytogenetic location: Xq13.1.
Variant type: single nucleotide variant.
Coding change: c.121G>A on transcript NM_018486.3 (MANE Select); coding-DNA position 121, G replaced by A.
Protein change: p.Val41Met; replaces valine 41 with methionine.
Molecular consequence: missense variant. On other transcripts: non-coding transcript variant (1).
Genome position (GRCh38, 1-based): chrX:72,572,100, C>T on the plus strand (G>A on the coding strand, the complement: HDAC8 is on the minus strand). VCF-style: chrX-72572100-C-T. GRCh37 (hg19) VCF-style: chrX-71791950-C-T.
Other names: c.121G>A, p.Val41Met (NM_001166418.2, NM_001166419.2, NM_001166420.2 and 7 more transcripts); short protein forms V41M.
Identifiers: ClinVar variation 1723478 (VCV001723478.3), dbSNP rs2522237475, ClinGen allele CA413576677.

ClinVar aggregate classification (germline): Likely pathogenic (1 of 4 stars; one submission).

Submission:

GeneDx
Classification: Likely pathogenic. Last evaluated: 2023-10-24. Review status: criteria provided, single submitter. Criteria: GeneDx Variant Classification Process June 2021. Collection method: clinical testing. Allele origin: germline. Affected: yes.
Comment: Not observed at significant frequency in large population cohorts (gnomAD); In silico analysis supports that this missense variant has a deleterious effect on protein structure/function; Has not been previously published as pathogenic or benign to our knowledge